The following is an entry in ClinVar:

NM_022765.4(MICAL1):c.1299G>C (p.Leu433Phe)

Gene: MICAL1 (microtubule associated monooxygenase, calponin and LIM domain containing 1; minus strand). Cytogenetic location: 6q21.
Variant type: single nucleotide variant.
Coding change: c.1299G>C on transcript NM_022765.4 (MANE Select); coding-DNA position 1299, G replaced by C.
Protein change: p.Leu433Phe; replaces leucine 433 with phenylalanine.
Molecular consequence: missense variant.
Genome position (GRCh38, 1-based): chr6:109,449,978, C>G on the plus strand (G>C on the coding strand, the complement: MICAL1 is on the minus strand). VCF-style: chr6-109449978-C-G. GRCh37 (hg19) VCF-style: chr6-109771181-C-G.
Other names: c.1041G>C, p.Leu347Phe (NM_001159291.2); c.1356G>C, p.Leu452Phe (NM_001286613.2); short protein forms L347F, L452F, L433F.
Identifiers: ClinVar variation 2049465 (VCV002049465.4), dbSNP rs1421386010, ClinGen allele CA365230456.

ClinVar aggregate classification (germline): Uncertain significance (1 of 4 stars; one submission).

Allele frequency attached by ClinVar (database versions not stated): gnomAD 0.00001; TOPMed 0.00002.
gnomAD v4.1: 4 of 1,613,682 alleles (0.00025%); highest among the groups gnomAD compares: Admixed American, 0.0017%; no homozygotes.

Submission:

Labcorp Genetics (formerly Invitae), Labcorp
Classification: Uncertain significance. Last evaluated: 2025-11-03. Review status: criteria provided, single submitter. Criteria: Invitae Variant Classification Sherloc (09022015). Collection method: clinical testing. Allele origin: germline.
Comment: This sequence change replaces leucine, which is neutral and non-polar, with phenylalanine, which is neutral and non-polar, at codon 452 of the MICAL1 protein (p.Leu452Phe). This variant is not present in population databases (gnomAD no frequency). This variant has not been reported in the literature in individuals affected with MICAL1-related conditions. ClinVar contains an entry for this variant (Variation ID: 2049465). An algorithm developed to predict the effect of missense changes on protein structure and function (PolyPhen-2) suggests that this variant is likely to be disruptive. In summary, the available evidence is currently insufficient to determine the role of this variant in disease. Therefore, it has been classified as a Variant of Uncertain Significance.